The following is an entry in ClinVar:

ClinVar aggregate classification (germline): Uncertain significance (1 of 4 stars; one submission).

Conditions:
Hereditary spastic paraplegia 31. Also called: SPASTIC PARAPLEGIA 31, AUTOSOMAL DOMINANT. Identifiers: Orphanet 101011, MedGen C1853247, MONDO:0012453, OMIM 610250.

Allele frequency attached by ClinVar (database versions not stated): gnomAD exomes 0.00001; TOPMed 0.00001; ExAC 0.00003.

Submission:

Labcorp Genetics (formerly Invitae), Labcorp
Classification: Uncertain significance for Hereditary spastic paraplegia 31. Last evaluated: 2023-05-27. Review status: criteria provided, single submitter. Criteria: Invitae Variant Classification Sherloc (09022015). Collection method: clinical testing. Allele origin: germline.
Comment: In summary, the available evidence is currently insufficient to determine the role of this variant in disease. Therefore, it has been classified as a Variant of Uncertain Significance. An algorithm developed to predict the effect of missense changes on protein structure and function (PolyPhen-2) suggests that this variant is likely to be tolerated. This variant has not been reported in the literature in individuals affected with REEP1-related conditions. This variant is present in population databases (rs754690213, gnomAD 0.01%). This sequence change replaces threonine, which is neutral and polar, with isoleucine, which is neutral and non-polar, at codon 158 of the REEP1 protein (p.Thr158Ile).

NM_001371279.1(REEP1):c.473C>T (p.Thr158Ile)

Gene: REEP1 (receptor accessory protein 1; minus strand). Cytogenetic location: 2p11.2.
Variant type: single nucleotide variant.
Coding change: c.473C>T on transcript NM_001371279.1 (MANE Select); coding-DNA position 473, C replaced by T.
Protein change: p.Thr158Ile; replaces threonine 158 with isoleucine.
Molecular consequence: missense variant. On other transcripts: intron variant (1).
Genome position (GRCh38, 1-based): chr2:86,232,747, G>A on the plus strand (C>T on the coding strand, the complement: REEP1 is on the minus strand). VCF-style: chr2-86232747-G-A. GRCh37 (hg19) VCF-style: chr2-86459870-G-A.
Other names: c.494C>T, p.Thr165Ile (NM_001164730.2); c.392C>T, p.Thr131Ile (NM_001164731.2); c.238C>T, p.Pro80Ser (NM_001164732.2); c.473C>T, p.Thr158Ile (NM_001410855.1, NM_001410856.1, NM_022912.3); c.418-15637C>T (NM_001371280.1); short protein forms T158I, T165I, P80S, T131I.
Identifiers: ClinVar variation 2781135 (VCV002781135.3), dbSNP rs754690213, ClinGen allele CA1748707.
Genomic context (GRCh38, chr2:86,232,747, plus strand): 5'-GCCCGCCCAGACCCCGGTGGTGGGGGGCCCGAGGGAGCAGGGGCGCCGTCTCCCCTGATG[G>A]TGGTGAGGTCCTGCATGCTGAAGCTCCGCAGTCTCTCCGATAAGGCACCCTGTCCCTGGA-3'
Protein context (NP_001358208.1, residues 148-168): LRSFSMQDLT[Thr158Ile]IRGDGAPAPS